The following is an entry in ClinVar:

ClinVar aggregate classification (germline): Uncertain significance. Review status: criteria provided, multiple submitters, no conflicts (2 of 4 stars). 2 submissions from 2 submitters: Uncertain significance (2). Last evaluated 2019-12-02.

Conditions:
Charcot-Marie-Tooth disease type 2. Also called: Charcot-Marie-Tooth type 2. Identifiers: Orphanet 64746, MedGen C0270914, MONDO:0018993.

Allele frequency attached by ClinVar (database versions not stated): TOPMed below 0.00001.

Submissions (2):

Blueprint Genetics
Classification: Uncertain significance. Last evaluated: 2019-12-02. Review status: criteria provided, single submitter. Criteria: ACMG Guidelines, 2015. Collection method: clinical testing. Allele origin: germline.

Labcorp Genetics (formerly Invitae), Labcorp
Classification: Uncertain significance for Charcot-Marie-Tooth disease type 2. Last evaluated: 2019-06-09. Review status: criteria provided, single submitter. Criteria: Invitae Variant Classification Sherloc (09022015). Collection method: clinical testing. Allele origin: germline.
Comment: In summary, the available evidence is currently insufficient to determine the role of this variant in disease. Therefore, it has been classified as a Variant of Uncertain Significance. Algorithms developed to predict the effect of missense changes on protein structure and function are either unavailable or do not agree on the potential impact of this missense change (SIFT: "Deleterious"; PolyPhen-2: "Benign"; Align-GVGD: "Class C35"). This variant has not been reported in the literature in individuals with LMNA-related conditions. This variant is not present in population databases (ExAC no frequency). This sequence change replaces aspartic acid with tyrosine at codon 164 of the LMNA protein (p.Asp164Tyr). The aspartic acid residue is highly conserved and there is a large physicochemical difference between aspartic acid and tyrosine.

NM_170707.4(LMNA):c.490G>T (p.Asp164Tyr)

Genes: LMNA (lamin A/C; plus strand), LOC126805877 (MED14-independent group 3 enhancer GRCh37_chr1:156099693-156100892; plus strand). Cytogenetic location: 1q22.
Variant type: single nucleotide variant.
Coding change: c.490G>T on transcript NM_170707.4 (MANE Select); coding-DNA position 490, G replaced by T.
Protein change: p.Asp164Tyr; replaces aspartic acid 164 with tyrosine.
Molecular consequence: missense variant.
Genome position (GRCh38, 1-based): chr1:156,130,750, G>T. VCF-style: chr1-156130750-G-T. GRCh37 (hg19) VCF-style: chr1-156100541-G-T.
Other names: c.154G>T, p.Asp52Tyr (NM_001257374.3); c.247G>T, p.Asp83Tyr (NM_001282624.2); c.490G>T, p.Asp164Tyr (NM_001282625.2, NM_001282626.2, NM_005572.4 and 1 more transcripts); short protein forms D164Y, D52Y, D83Y.
Identifiers: ClinVar variation 937889 (VCV000937889.11), dbSNP rs751033102, ClinGen allele CA342815632.